The following is an entry in ClinVar:

NM_001379403.1(WDR26):c.1123G>T (p.Gly375Trp)

Gene: WDR26 (WD repeat domain 26; minus strand). Cytogenetic location: 1q42.12.
Variant type: single nucleotide variant.
Coding change: c.1123G>T on transcript NM_001379403.1 (MANE Select); coding-DNA position 1123, G replaced by T.
Protein change: p.Gly375Trp; replaces glycine 375 with tryptophan.
Molecular consequence: missense variant.
Genome position (GRCh38, 1-based): chr1:224,419,557, C>A on the plus strand (G>T on the coding strand, the complement: WDR26 is on the minus strand). VCF-style: chr1-224419557-C-A. GRCh37 (hg19) VCF-style: chr1-224607259-C-A.
Other names: c.775G>T, p.Gly259Trp (NM_001115113.3); c.823G>T, p.Gly275Trp (NM_025160.7); short protein forms G259W, G275W, G375W.
Identifiers: ClinVar variation 3901304 (VCV003901304.1).

ClinVar aggregate classification (germline): Uncertain significance (1 of 4 stars; one submission).

Submission:

GeneDx
Classification: Uncertain significance. Last evaluated: 2024-12-04. Review status: criteria provided, single submitter. Criteria: GeneDx Variant Classification Process June 2021. Collection method: clinical testing. Allele origin: germline. Affected: yes.
Comment: Not observed at significant frequency in large population cohorts (gnomAD); In silico analysis supports that this missense variant has a deleterious effect on protein structure/function; Has not been previously published as pathogenic or benign to our knowledge